The following is an entry in ClinVar:

NM_001374353.1(GLI2):c.3067G>A (p.Val1023Met)

Gene: GLI2 (GLI family zinc finger 2; plus strand). Cytogenetic location: 2q14.2.
Variant type: single nucleotide variant.
Coding change: c.3067G>A on transcript NM_001374353.1 (MANE Select); coding-DNA position 3067, G replaced by A.
Protein change: p.Val1023Met; replaces valine 1023 with methionine.
Molecular consequence: missense variant.
Genome position (GRCh38, 1-based): chr2:120,989,032, G>A. VCF-style: chr2-120989032-G-A. GRCh37 (hg19) VCF-style: chr2-121746608-G-A.
Other names: c.3118G>A, p.Val1040Met (NM_001371271.1, NM_005270.5); c.2692G>A, p.Val898Met (NM_001374354.1); short protein forms V1023M, V898M, V1040M.
Identifiers: ClinVar variation 2312847 (VCV002312847.3), dbSNP rs546947063, ClinGen allele CA1852313.

ClinVar aggregate classification (germline): Conflicting classifications of pathogenicity. Review status: criteria provided, conflicting classifications (1 of 4 stars). 2 submissions from 2 submitters: Uncertain significance (1); Likely benign (1). Last evaluated 2026-01-02.

Conditions:
Inborn genetic diseases. Identifiers: MedGen C0950123, MeSH D030342.
GLI2-related disorder. Also called: GLI2-related disorders; GLI2-related condition.

Allele frequency attached by ClinVar (database versions not stated): TOPMed below 0.00001; ExAC 0.00001; gnomAD 0.00001; 1000 Genomes Project 30x 0.00016; 1000 Genomes Project 0.00020.
gnomAD v4.1: 11 of 1,604,938 alleles (0.00069%); highest among the groups gnomAD compares: Non-Finnish European, 0.00093%; no homozygotes.

Submissions (2):

PreventionGenetics, part of Exact Sciences
Classification: Uncertain significance for GLI2-related condition. Last evaluated: 2026-01-02. Review status: criteria provided, single submitter. Criteria: ACMG Guidelines, 2015. Collection method: clinical testing. Allele origin: germline.
Comment: The GLI2 c.3118G>A variant is predicted to result in the amino acid substitution p.Val1040Met. To our knowledge, this variant has not been reported in the literature. This variant is reported in 0.0020% of alleles in individuals of European (Non-Finnish) descent in gnomAD. At this time, the clinical significance of this variant is uncertain due to the absence of conclusive functional and genetic evidence.

Ambry Genetics
Classification: Likely benign for Inborn genetic diseases. Last evaluated: 2022-09-22. Review status: criteria provided, single submitter. Criteria: Ambry Variant Classification Scheme 2023. Collection method: clinical testing. Allele origin: germline.